The following is an entry in ClinVar:

ClinVar aggregate classification (germline): Likely benign (1 of 4 stars; one submission).

Allele frequency attached by ClinVar (database versions not stated): gnomAD 0.00001; gnomAD exomes 0.00001; ExAC 0.00004; TOPMed 0.00005.
gnomAD v4.1: 21 of 1,556,232 alleles (0.0013%); highest among the groups gnomAD compares: Admixed American, 0.002%; no homozygotes.

Submission:

CeGaT Center for Human Genetics Tuebingen
Classification: Likely benign. Last evaluated: 2024-01-01. Review status: criteria provided, single submitter. Criteria: CeGaT Center For Human Genetics Tuebingen Variant Classification Criteria Version 2. Collection method: clinical testing. Allele origin: germline. Affected: yes. Observed: 1 variant allele.
Comment: ZNF292: BP4, BP7

NM_015021.3(ZNF292):c.834G>A (p.Ala278=)

Gene: ZNF292 (zinc finger protein 292; plus strand). Cytogenetic location: 6q14.3.
Variant type: single nucleotide variant.
Coding change: c.834G>A on transcript NM_015021.3 (MANE Select); coding-DNA position 834, G replaced by A.
Protein change: p.Ala278=; no amino-acid change (alanine 278 retained).
Molecular consequence: synonymous variant.
Genome position (GRCh38, 1-based): chr6:87,243,567, G>A. VCF-style: chr6-87243567-G-A. GRCh37 (hg19) VCF-style: chr6-87953285-G-A.
Other names: c.414G>A, p.Ala138= (NM_001351444.2).
Identifiers: ClinVar variation 3025868 (VCV003025868.22), dbSNP rs781382344, ClinGen allele CA3913736.